The following is an entry in ClinVar:

ClinVar aggregate classification (germline): Uncertain significance (1 of 4 stars; one submission).

Conditions:
Epilepsy, progressive myoclonic, 1B. Also called: PME. Identifiers: Orphanet 308, MedGen C2676254, MONDO:0012904, OMIM 612437.

Allele frequency attached by ClinVar (database versions not stated): gnomAD exomes below 0.00001.
gnomAD v4.1: 1 of 1,614,026 alleles (0.000062%); highest among the groups gnomAD compares: Non-Finnish European, 0.000085%; no homozygotes.

Submission:

Labcorp Genetics (formerly Invitae), Labcorp
Classification: Uncertain significance for Epilepsy, progressive myoclonic, 1B. Last evaluated: 2022-07-22. Review status: criteria provided, single submitter. Criteria: Invitae Variant Classification Sherloc (09022015). Collection method: clinical testing. Allele origin: germline.
Comment: In summary, the available evidence is currently insufficient to determine the role of this variant in disease. Therefore, it has been classified as a Variant of Uncertain Significance. Algorithms developed to predict the effect of missense changes on protein structure and function (SIFT, PolyPhen-2, Align-GVGD) all suggest that this variant is likely to be disruptive. This variant has not been reported in the literature in individuals affected with PRICKLE1-related conditions. This variant is not present in population databases (gnomAD no frequency). This sequence change replaces glutamine, which is neutral and polar, with arginine, which is basic and polar, at codon 475 of the PRICKLE1 protein (p.Gln475Arg).

NM_153026.3(PRICKLE1):c.1424A>G (p.Gln475Arg)

Gene: PRICKLE1 (prickle planar cell polarity protein 1; minus strand). Cytogenetic location: 12q12.
Variant type: single nucleotide variant.
Coding change: c.1424A>G on transcript NM_153026.3 (MANE Select); coding-DNA position 1424, A replaced by G.
Protein change: p.Gln475Arg; replaces glutamine 475 with arginine.
Molecular consequence: missense variant.
Genome position (GRCh38, 1-based): chr12:42,464,610, T>C on the plus strand (A>G on the coding strand, the complement: PRICKLE1 is on the minus strand). VCF-style: chr12-42464610-T-C. GRCh37 (hg19) VCF-style: chr12-42858412-T-C.
Other names: c.1424A>G, p.Gln475Arg (NM_001144881.2, NM_001144882.2, NM_001144883.2); short protein forms Q475R.
Identifiers: ClinVar variation 2000016 (VCV002000016.4), dbSNP rs2503412597, ClinGen allele CA384441720.
Genomic context (GRCh38, chr12:42,464,610, plus strand): 5'-CTACTGCTTGCAGGGCCTGGGTGGCTGCCATAAGCAGAATCGCCCAGTCCATCTTGTGAC[T>C]GTGCCCAGTACATATCAGACTGGTATTTTTTACTTGCAAGGCTCTGGTTATTTTGCTTTA-3'
Protein context (NP_694571.2, residues 465-485): KKYQSDMYWA[Gln475Arg]SQDGLGDSAY